The following is an entry in ClinVar:

NM_153006.3(NAGS):c.1283C>T (p.Ala428Val)

Gene: NAGS (N-acetylglutamate synthase; plus strand). Cytogenetic location: 17q21.31.
Variant type: single nucleotide variant.
Coding change: c.1283C>T on transcript NM_153006.3 (MANE Select); coding-DNA position 1283, C replaced by T.
Protein change: p.Ala428Val; replaces alanine 428 with valine.
Molecular consequence: missense variant.
Genome position (GRCh38, 1-based): chr17:44,007,605, C>T. VCF-style: chr17-44007605-C-T. GRCh37 (hg19) VCF-style: chr17-42084973-C-T.
Other names: short protein forms A428V.
Identifiers: ClinVar variation 1444580 (VCV001444580.6), dbSNP rs1160426864, ClinGen allele CA399727440.

ClinVar aggregate classification (germline): Uncertain significance (1 of 4 stars; one submission).

Conditions:
Hyperammonemia, type III (NAGSD). Also called: Hyperammonemia due to N-acetylglutamate synthase deficiency. Identifiers: Orphanet 927, MedGen C0268543, MONDO:0009377, OMIM 237310.

Allele frequency attached by ClinVar (database versions not stated): gnomAD exomes below 0.00001 and 0.00001; gnomAD 0.00001; TOPMed 0.00001.

Submission:

Labcorp Genetics (formerly Invitae), Labcorp
Classification: Uncertain significance for Hyperammonemia, type III. Last evaluated: 2022-02-20. Review status: criteria provided, single submitter. Criteria: Invitae Variant Classification Sherloc (09022015). Collection method: clinical testing. Allele origin: germline.
Comment: In summary, the available evidence is currently insufficient to determine the role of this variant in disease. Therefore, it has been classified as a Variant of Uncertain Significance. Algorithms developed to predict the effect of missense changes on protein structure and function (SIFT, PolyPhen-2, Align-GVGD) all suggest that this variant is likely to be disruptive. This variant has not been reported in the literature in individuals affected with NAGS-related conditions. This variant is present in population databases (no rsID available, gnomAD 0.002%). This sequence change replaces alanine, which is neutral and non-polar, with valine, which is neutral and non-polar, at codon 428 of the NAGS protein (p.Ala428Val).